The following is an entry in ClinVar:

ClinVar aggregate classification (germline): Likely benign. Review status: criteria provided, multiple submitters, no conflicts (2 of 4 stars). 4 submissions from 4 submitters: Likely benign (4). Last evaluated 2025-11-18.

Conditions:
Multiple endocrine neoplasia, type 2 (MEN2). Identifiers: Orphanet 653, MedGen C4048306, MONDO:0019003. Disease mechanism: gain of function.
Hereditary cancer-predisposing syndrome. Also called: Hereditary Cancer Syndrome; Neoplastic Syndromes, Hereditary; Hereditary neoplastic syndrome; Tumor predisposition. Identifiers: Orphanet 140162, MedGen C0027672, MeSH D009386, MONDO:0015356.

Allele frequency attached by ClinVar (database versions not stated): gnomAD exomes below 0.00001; TOPMed below 0.00001; ExAC 0.00001; ESP Exome Variant Server 0.00008.
gnomAD v4.1: 5 of 1,613,798 alleles (0.00031%); highest among the groups gnomAD compares: Non-Finnish European, 0.00042%; no homozygotes.

Submissions (4):

Labcorp Genetics (formerly Invitae), Labcorp
Classification: Likely benign for Multiple endocrine neoplasia, type 2. Last evaluated: 2025-11-18. Review status: criteria provided, single submitter. Criteria: Invitae Variant Classification Sherloc (09022015). Collection method: clinical testing. Allele origin: germline.

All of Us Research Program, National Institutes of Health
Classification: Likely benign for Multiple endocrine neoplasia, type 2. Last evaluated: 2023-08-15. Review status: criteria provided, single submitter. Criteria: ACMG Guidelines, 2015. Collection method: clinical testing. Allele origin: germline. Inheritance: Autosomal dominant inheritance. Observed: 2 variant alleles, 2 heterozygotes.
Comment: This study involves interpretation of variants in research participants for the purpose of population health screening. Participant phenotype was not available at the time of variant classification. Additional details can be found in publication PMID: 35346344, PMCID: PMC8962531

Color Diagnostics, LLC DBA Color Health
Classification: Likely benign for Multiple endocrine neoplasia, type 2. Last evaluated: 2022-11-06. Review status: criteria provided, single submitter. Criteria: ACMG Guidelines, 2015. Collection method: clinical testing. Allele origin: germline.

Ambry Genetics
Classification: Likely benign for Hereditary cancer-predisposing syndrome. Last evaluated: 2017-10-11. Review status: criteria provided, single submitter. Criteria: Ambry Variant Classification Scheme 2023. Collection method: clinical testing. Allele origin: germline.

NM_020975.6(RET):c.118C>T (p.Leu40=)

Gene: RET (ret proto-oncogene; plus strand). Cytogenetic location: 10q11.21.
Variant type: single nucleotide variant.
Coding change: c.118C>T on transcript NM_020975.6 (MANE Select); coding-DNA position 118, C replaced by T.
Protein change: p.Leu40=; no amino-acid change (leucine 40 retained).
Molecular consequence: synonymous variant. On other transcripts: intron variant (4).
Genome position (GRCh38, 1-based): chr10:43,100,503, C>T. VCF-style: chr10-43100503-C-T. GRCh37 (hg19) VCF-style: chr10-43595951-C-T.
Other names: c.118C>T, p.Leu40= (NM_000323.2, NM_001406743.1, NM_001406744.1 and 34 more transcripts); c.74-8528C>T (NM_001406784.1); c.74-11596C>T (NM_001406794.1, NM_001406792.1, NM_001406793.1).
Identifiers: ClinVar variation 699886 (VCV000699886.17), dbSNP rs373420806, ClinGen allele CA032094.